The following is an entry in ClinVar:

ClinVar aggregate classification (germline): Uncertain significance (1 of 4 stars; one submission).

Conditions:
Familial intrahepatic cholestasis. Identifiers: Orphanet 284385, MedGen CN296401, MONDO:0017290.

Submission:

Genomenon, Inc
Classification: Uncertain significance for Familial intrahepatic cholestasis. Last evaluated: 2026-04-14. Review status: criteria provided, single submitter. Criteria: Genomenon Sequence Variant Interpretation Standards - Updated. Collection method: curation. Allele origin: germline. Affected: yes.
Comment: ABCB11 p.Arg303Met (c.908G>T) is a missense variant that changes the amino acid at residue 303 from Arginine to Methionine. This variant has been observed in at least one proband with an ABCB11-related disorder (PMID:29304564). It is absent or not present at a significant frequency in gnomAD. In silico models predict that this variant is possibly or probably damaging. In conclusion, we classify ABCB11 p.Arg303Met (c.908G>T) as a variant of uncertain significance.

Literature cited by the submitters: PubMed 29304564.

NM_003742.4(ABCB11):c.908G>T (p.Arg303Met)

Gene: ABCB11 (ATP binding cassette subfamily B member 11; minus strand). Cytogenetic location: 2q31.1.
Variant type: single nucleotide variant.
Coding change: c.908G>T on transcript NM_003742.4 (MANE Select); coding-DNA position 908, G replaced by T.
Protein change: p.Arg303Met; replaces arginine 303 with methionine.
Molecular consequence: missense variant.
Genome position (GRCh38, 1-based): chr2:168,990,801, C>A on the plus strand (G>T on the coding strand, the complement: ABCB11 is on the minus strand). VCF-style: chr2-168990801-C-A. GRCh37 (hg19) VCF-style: chr2-169847311-C-A.
Other names: short protein forms R303M.
Identifiers: ClinVar variation 4846150 (VCV004846150.1).